The following is an entry in ClinVar:

ClinVar aggregate classification (germline): Uncertain significance (1 of 4 stars; one submission).

Conditions:
Inborn genetic diseases. Identifiers: MedGen C0950123, MeSH D030342.

Submission:

Ambry Genetics
Classification: Uncertain significance for Inborn genetic diseases. Last evaluated: 2025-07-10. Review status: criteria provided, single submitter. Criteria: Ambry Variant Classification Scheme 2023. Collection method: clinical testing. Allele origin: germline.
Comment: The p.I10L variant (also known as c.28A>C), located in coding exon 1 of the SBDS gene, results from an A to C substitution at nucleotide position 28. The isoleucine at codon 10 is replaced by leucine, an amino acid with highly similar properties. This amino acid position is conserved. In addition, the in silico prediction for this alteration is inconclusive. Based on the available evidence, the clinical significance of this variant remains unclear.

NM_016038.4(SBDS):c.28A>C (p.Ile10Leu)

Gene: SBDS (SBDS ribosome maturation factor; minus strand). Cytogenetic location: 7q11.21.
Variant type: single nucleotide variant.
Coding change: c.28A>C on transcript NM_016038.4 (MANE Select); coding-DNA position 28, A replaced by C.
Protein change: p.Ile10Leu; replaces isoleucine 10 with leucine.
Molecular consequence: missense variant.
Genome position (GRCh38, 1-based): chr7:66,995,390, T>G on the plus strand (A>C on the coding strand, the complement: SBDS is on the minus strand). VCF-style: chr7-66995390-T-G. GRCh37 (hg19) VCF-style: chr7-66460377-T-G.
Other names: short protein forms I10L.
Identifiers: ClinVar variation 4159806 (VCV004159806.1).